The following is an entry in ClinVar:

ClinVar aggregate classification (germline): Uncertain significance. Review status: criteria provided, multiple submitters, no conflicts (2 of 4 stars). 2 submissions from 2 submitters: Uncertain significance (2). Last evaluated 2025-10-29.

Allele frequency attached by ClinVar (database versions not stated): gnomAD exomes 0.00001 and 0.00004; ExAC 0.00002; TOPMed 0.00002; gnomAD 0.00003 and 0.00007.
gnomAD v4.1: 93 of 1,614,090 alleles (0.0058%); highest among the groups gnomAD compares: African/African-American, 0.047%; 2 homozygotes.

Submissions (2):

Labcorp Genetics (formerly Invitae), Labcorp
Classification: Uncertain significance. Last evaluated: 2025-10-29. Review status: criteria provided, single submitter. Criteria: Invitae Variant Classification Sherloc (09022015). Collection method: clinical testing. Allele origin: germline.
Comment: This sequence change replaces arginine, which is basic and polar, with histidine, which is basic and polar, at codon 297 of the ANKZF1 protein (p.Arg297His). This variant is present in population databases (rs574593481, gnomAD 0.01%). This variant has not been reported in the literature in individuals affected with ANKZF1-related conditions. ClinVar contains an entry for this variant (Variation ID: 1377710). An algorithm developed to predict the effect of missense changes on protein structure and function outputs the following: PolyPhen-2: "Benign". The histidine amino acid residue is found in multiple mammalian species, which suggests that this missense change does not adversely affect protein function. In summary, the available evidence is currently insufficient to determine the role of this variant in disease. Therefore, it has been classified as a Variant of Uncertain Significance.

Ambry Genetics
Classification: Uncertain significance. Last evaluated: 2025-06-07. Review status: criteria provided, single submitter. Criteria: Ambry Variant Classification Scheme 2023. Collection method: clinical testing. Allele origin: germline.

NM_018089.3(ANKZF1):c.890G>A (p.Arg297His)

Gene: ANKZF1 (ankyrin repeat and zinc finger peptidyl tRNA hydrolase 1; plus strand). Cytogenetic location: 2q35.
Variant type: single nucleotide variant.
Coding change: c.890G>A on transcript NM_018089.3 (MANE Select); coding-DNA position 890, G replaced by A.
Protein change: p.Arg297His; replaces arginine 297 with histidine.
Molecular consequence: missense variant.
Genome position (GRCh38, 1-based): chr2:219,233,785, G>A. VCF-style: chr2-219233785-G-A. GRCh37 (hg19) VCF-style: chr2-220098507-G-A.
Other names: c.890G>A, p.Arg297His (NM_001042410.2); c.260G>A, p.Arg87His (NM_001282792.2); c.890G>A (NM_018089.2); short protein forms R87H, R297H.
Identifiers: ClinVar variation 1377710 (VCV001377710.7), dbSNP rs574593481, ClinGen allele CA2120902.